The following is an entry in ClinVar:

NM_004813.4(PEX16):c.961A>G (p.Met321Val)

Gene: PEX16 (peroxisomal biogenesis factor 16; minus strand). Cytogenetic location: 11p11.2.
Variant type: single nucleotide variant.
Coding change: c.961A>G on transcript NM_004813.4 (MANE Select); coding-DNA position 961, A replaced by G.
Protein change: p.Met321Val; replaces methionine 321 with valine.
Molecular consequence: missense variant. On other transcripts: intron variant (1).
Genome position (GRCh38, 1-based): chr11:45,910,304, T>C on the plus strand (A>G on the coding strand, the complement: PEX16 is on the minus strand). VCF-style: chr11-45910304-T-C. GRCh37 (hg19) VCF-style: chr11-45931855-T-C.
Other names: c.953-127A>G (NM_057174.3); short protein forms M321V.
Identifiers: ClinVar variation 2086845 (VCV002086845.1), dbSNP rs886850783, ClinGen allele CA221584236.
Genomic context (GRCh38, chr11:45,910,304, plus strand): 5'-GGGAGGTCTGTCAGCCCCAACTGTAGAAGTAGATTTTCTGCCAGGTGGGCAAGTAATCCA[T>C]GAGCGGCCCTGCAGTGGGAGAGGGACACATCAGGGCAGGCCAGACCCCAATCTGCACTGT-3'
Protein context (NP_004804.2, residues 311-331): PGVGLVTRPL[Met321Val]DYLPTWQKIY

ClinVar aggregate classification (germline): Uncertain significance (1 of 4 stars; one submission).

Conditions:
Peroxisome biogenesis disorder. Identifiers: Orphanet 79189, MedGen C1832200, MONDO:0019234. Disease mechanism: loss of function.

Submission:

Labcorp Genetics (formerly Invitae), Labcorp
Classification: Uncertain significance for Peroxisome biogenesis disorder. Last evaluated: 2022-07-05. Review status: criteria provided, single submitter. Criteria: Invitae Variant Classification Sherloc (09022015). Collection method: clinical testing. Allele origin: germline.
Comment: This sequence change replaces methionine, which is neutral and non-polar, with valine, which is neutral and non-polar, at codon 321 of the PEX16 protein (p.Met321Val). This variant is not present in population databases (gnomAD no frequency). This variant has not been reported in the literature in individuals affected with PEX16-related conditions. Algorithms developed to predict the effect of missense changes on protein structure and function (SIFT, PolyPhen-2, Align-GVGD) all suggest that this variant is likely to be tolerated. In summary, the available evidence is currently insufficient to determine the role of this variant in disease. Therefore, it has been classified as a Variant of Uncertain Significance.